The following is an entry in ClinVar:

NM_001142800.2(EYS):c.5644+1G>A

Gene: EYS (EGF-like photoreceptor maintenance factor; minus strand). Cytogenetic location: 6q12.
Variant type: single nucleotide variant.
Coding change: c.5644+1G>A on transcript NM_001142800.2 (MANE Select); the canonical splice donor site of the intron after coding-DNA position 5644, G replaced by A.
Molecular consequence: splice donor variant.
Genome position (GRCh38, 1-based): chr6:64,590,222, C>T on the plus strand (G>A on the coding strand, the complement: EYS is on the minus strand). VCF-style: chr6-64590222-C-T. GRCh37 (hg19) VCF-style: chr6-65300115-C-T.
Other names: c.5644+1G>A (NM_001292009.2).
Identifiers: ClinVar variation 2692447 (VCV002692447.3), dbSNP rs2533148588, ClinGen allele CA364780663.
Genomic context (GRCh38, chr6:64,590,222, plus strand): 5'-CTTCTCTGTAGAAAAGAAACTCATTTCTAAAAGTTTACTGAACAGAAACTGAGAAACTCA[C>T]CAGAAATCATCAGCCGTTGAGGTGCCAGAATGGATTCCAGTGAAGACAAAGTAAGAGATC-3'

ClinVar aggregate classification (germline): Likely pathogenic. Review status: criteria provided, multiple submitters, no conflicts (2 of 4 stars). 3 submissions from 3 submitters: Likely pathogenic (3). Last evaluated 2025-07-02.

Conditions:
Retinitis pigmentosa 25 (RP25). Identifiers: Orphanet 791, MedGen C1864446, MONDO:0011272, OMIM 602772.

Allele frequency attached by ClinVar (database versions not stated): gnomAD exomes below 0.00001.
gnomAD v4.1: 1 of 1,531,118 alleles (0.000065%); highest among the groups gnomAD compares: African/African-American, 0.0014%; no homozygotes.

Submissions (3):

Labcorp Genetics (formerly Invitae), Labcorp
Classification: Likely pathogenic. Last evaluated: 2025-07-02. Review status: criteria provided, single submitter. Criteria: Invitae Variant Classification Sherloc (09022015). Collection method: clinical testing. Allele origin: germline.
Comment: This sequence change affects a donor splice site in intron 26 of the EYS gene. It is expected to disrupt RNA splicing. Variants that disrupt the donor or acceptor splice site typically lead to a loss of protein function (PMID: 16199547), and loss-of-function variants in EYS are known to be pathogenic (PMID: 18836446, 20333770). This variant is not present in population databases (gnomAD no frequency). Disruption of this splice site has been observed in individual(s) with clinical features of retinitis pigmentosa (internal data). ClinVar contains an entry for this variant (Variation ID: 2692447). Algorithms developed to predict the effect of sequence changes on RNA splicing suggest that this variant may disrupt the consensus splice site. In summary, the currently available evidence indicates that the variant is pathogenic, but additional data are needed to prove that conclusively. Therefore, this variant has been classified as Likely Pathogenic.

Baylor Genetics
Classification: Likely pathogenic for Retinitis pigmentosa 25. Last evaluated: 2023-11-17. Review status: criteria provided, single submitter. Criteria: ACMG Guidelines, 2015. Collection method: clinical testing. Allele origin: unknown.

Greenwood Genetic Center Diagnostic Laboratories, Greenwood Genetic Center
Classification: Likely pathogenic for Retinitis pigmentosa 25. Last evaluated: 2023-11-07. Review status: criteria provided, single submitter. Criteria: ACMG Guidelines, 2015. Collection method: clinical testing. Allele origin: germline.
Comment: PVS1, PM2

Literature cited by the submitters: PubMed 16199547 (cited by Labcorp Genetics (formerly Invitae), Labcorp); PubMed 18836446 (cited by Labcorp Genetics (formerly Invitae), Labcorp); PubMed 20333770 (cited by Labcorp Genetics (formerly Invitae), Labcorp).